The following is an entry in ClinVar:

NM_005751.5(AKAP9):c.1138C>G (p.Leu380Val)

Gene: AKAP9 (A-kinase anchoring protein 9; plus strand). Cytogenetic location: 7q21.2.
Variant type: single nucleotide variant.
Coding change: c.1138C>G on transcript NM_005751.5 (MANE Select); coding-DNA position 1138, C replaced by G.
Protein change: p.Leu380Val; replaces leucine 380 with valine.
Molecular consequence: missense variant.
Genome position (GRCh38, 1-based): chr7:92,001,055, C>G. VCF-style: chr7-92001055-C-G. GRCh37 (hg19) VCF-style: chr7-91630369-C-G.
Other names: c.1138C>G, p.Leu380Val (NM_147185.3); short protein forms L380V.
Identifiers: ClinVar variation 2160673 (VCV002160673.6), dbSNP rs1799097592, ClinGen allele CA368121104.
Genomic context (GRCh38, chr7:92,001,055, plus strand): 5'-GGAGAATTACAAGAACAGATTGTGCAAAAGAACCAAGAAATAAAAAACATGAAATTAGAG[C>G]TGACTAATTCTAAGCAAAAAGAAAGACAGTCTTCTGAAGAAATAAAACAGTTAATGGGGA-3'
Protein context (NP_005742.4, residues 370-390): NQEIKNMKLE[Leu380Val]TNSKQKERQS

ClinVar aggregate classification (germline): Uncertain significance. Review status: criteria provided, multiple submitters, no conflicts (2 of 4 stars). 2 submissions from 2 submitters: Uncertain significance (2). Last evaluated 2023-02-25.

Conditions:
Cardiovascular phenotype. Identifiers: MedGen CN230736.
Long QT syndrome (LQTS). Identifiers: MedGen C0023976, MeSH D008133, MONDO:0002442. Disease mechanism: loss of function. Inheritance: Various modes of inheritance.

Allele frequency attached by ClinVar (database versions not stated): gnomAD exomes 0.00001.
gnomAD v4.1: 5 of 1,608,126 alleles (0.00031%); highest among the groups gnomAD compares: Non-Finnish European, 0.00042%; no homozygotes.

Submissions (2):

Ambry Genetics
Classification: Uncertain significance for Cardiovascular phenotype. Last evaluated: 2023-02-25. Review status: criteria provided, single submitter. Criteria: Ambry Variant Classification Scheme 2023. Collection method: clinical testing. Allele origin: germline.
Comment: The p.L380V variant (also known as c.1138C>G), located in coding exon 8 of the AKAP9 gene, results from a C to G substitution at nucleotide position 1138. The leucine at codon 380 is replaced by valine, an amino acid with highly similar properties. This amino acid position is conserved. In addition, this alteration is predicted to be tolerated by in silico analysis. Since supporting evidence is limited at this time, the clinical significance of this alteration remains unclear.

Labcorp Genetics (formerly Invitae), Labcorp
Classification: Uncertain significance for Long QT syndrome. Last evaluated: 2022-09-14. Review status: criteria provided, single submitter. Criteria: Invitae Variant Classification Sherloc (09022015). Collection method: clinical testing. Allele origin: germline.
Comment: This sequence change replaces leucine, which is neutral and non-polar, with valine, which is neutral and non-polar, at codon 380 of the AKAP9 protein (p.Leu380Val). In summary, the available evidence is currently insufficient to determine the role of this variant in disease. Therefore, it has been classified as a Variant of Uncertain Significance. Algorithms developed to predict the effect of missense changes on protein structure and function are either unavailable or do not agree on the potential impact of this missense change (SIFT: "Deleterious"; PolyPhen-2: "Benign"; Align-GVGD: "Class C0"). This variant has not been reported in the literature in individuals affected with AKAP9-related conditions. This variant is not present in population databases (gnomAD no frequency).